The following is an entry in ClinVar:

ClinVar aggregate classification (germline): Uncertain significance (1 of 4 stars; one submission).

Submission:

GeneDx
Classification: Uncertain significance. Last evaluated: 2024-03-19. Review status: criteria provided, single submitter. Criteria: GeneDx Variant Classification Process June 2021. Collection method: clinical testing. Allele origin: germline. Affected: yes.
Comment: Not observed at significant frequency in large population cohorts (gnomAD); In silico analysis supports that this missense variant has a deleterious effect on protein structure/function; Has not been previously published as pathogenic or benign to our knowledge

NM_198503.5(KCNT2):c.508T>C (p.Cys170Arg)

Gene: KCNT2 (potassium sodium-activated channel subfamily T member 2; minus strand). Cytogenetic location: 1q31.3.
Variant type: single nucleotide variant.
Coding change: c.508T>C on transcript NM_198503.5 (MANE Select); coding-DNA position 508, T replaced by C.
Protein change: p.Cys170Arg; replaces cysteine 170 with arginine.
Molecular consequence: missense variant. On other transcripts: non-coding transcript variant (2).
Genome position (GRCh38, 1-based): chr1:196,467,738, A>G on the plus strand (T>C on the coding strand, the complement: KCNT2 is on the minus strand). VCF-style: chr1-196467738-A-G. GRCh37 (hg19) VCF-style: chr1-196436868-A-G.
Other names: c.508T>C, p.Cys170Arg (NM_001287819.3, NM_001287820.3); short protein forms C170R.
Identifiers: ClinVar variation 3371199 (VCV003371199.1).
Genomic context (GRCh38, chr1:196,467,738, plus strand): 5'-ATTTGCACTTTAATTCTATACTTACAATCATATTTTCCAAGGCATGTTTGGCAAGCCAAC[A>G]GTTCAGAAAGACTGGGACAAATAGATTCCTTAAGGAAGGCCAGAATATCTGGAAAACAAA-3'
Protein context (NP_940905.2, residues 160-180): RNLFVPVFLN[Cys170Arg]WLAKHALENM